The following is an entry in ClinVar:

ClinVar aggregate classification (germline): Benign/Likely benign. Review status: criteria provided, multiple submitters, no conflicts (2 of 4 stars). 7 submissions from 7 submitters: Benign (5); Likely benign (2). Last evaluated 2026-02-04.

Conditions:
Primary ciliary dyskinesia. Also called: Ciliary dyskinesia. Identifiers: Orphanet 244, MedGen C0008780, MONDO:0016575, HP:0012265.

Allele frequency attached by ClinVar (database versions not stated): ESP Exome Variant Server 0.03360; gnomAD 0.05248 and 0.05629; TOPMed 0.06438; ExAC 0.08827; gnomAD exomes 0.09146; 1000 Genomes Project 30x 0.09338; 1000 Genomes Project 0.09385.
gnomAD v4.1: 87,194 of 1,613,346 alleles (5.4%); highest among the groups gnomAD compares: Admixed American, 24%; 4,633 homozygotes.

Submissions (7):

Labcorp Genetics (formerly Invitae), Labcorp
Classification: Benign for Primary ciliary dyskinesia. Last evaluated: 2026-02-04. Review status: criteria provided, single submitter. Criteria: Invitae Variant Classification Sherloc (09022015). Collection method: clinical testing. Allele origin: germline.

Blueprint Genetics
Classification: Likely benign. Last evaluated: 2024-11-27. Review status: criteria provided, single submitter. Criteria: ACMG Guidelines, 2015. Collection method: clinical testing. Allele origin: germline.

Mayo Clinic Laboratories, Mayo Clinic
Classification: Benign. Last evaluated: 2022-04-26. Review status: criteria provided, single submitter. Criteria: ACMG Guidelines, 2015. Collection method: clinical testing. Allele origin: germline. Observed: 25 variant alleles.

GeneDx
Classification: Benign. Last evaluated: 2018-11-12. Review status: criteria provided, single submitter. Criteria: GeneDx Variant Classification Process June 2021. Collection method: clinical testing. Allele origin: germline. Affected: yes.

Laboratory for Molecular Medicine, Mass General Brigham Personalized Medicine
Classification: Benign. Last evaluated: 2013-02-21. Review status: criteria provided, single submitter. Criteria: LMM Criteria. Collection method: clinical testing. Allele origin: germline. Observed: 15 variant alleles.
Comment: Ala3775Ala in exon 69 of DNAH11: This variant is not expected to have clinical s ignificance because it does not alter an amino acid residue and is not located w ithin the splice consensus sequence. It has been identified in 4.3% (363/8394) o f European American chromosomes from a broad population by the NHLBI Exome Seque ncing Project (dbSNP rs12666072).

Breakthrough Genomics
Classification: Likely benign. Review status: criteria provided, single submitter. Criteria: ACMG Guidelines, 2015. Collection method: not provided. Allele origin: germline. Inheritance: Autosomal recessive inheritance. Affected: yes.

PreventionGenetics, part of Exact Sciences
Classification: Benign. Review status: criteria provided, single submitter. Criteria: ACMG Guidelines, 2015. Collection method: clinical testing. Allele origin: germline.

NM_001277115.2(DNAH11):c.11325G>A (p.Ala3775=)

Gene: DNAH11 (dynein axonemal heavy chain 11; plus strand). Cytogenetic location: 7p15.3.
Variant type: single nucleotide variant.
Coding change: c.11325G>A on transcript NM_001277115.2 (MANE Select); coding-DNA position 11325, G replaced by A.
Protein change: p.Ala3775=; no amino-acid change (alanine 3775 retained).
Molecular consequence: synonymous variant.
Genome position (GRCh38, 1-based): chr7:21,861,975, G>A. VCF-style: chr7-21861975-G-A. GRCh37 (hg19) VCF-style: chr7-21901593-G-A.
Other names: p.Ala3775=.
Identifiers: ClinVar variation 163127 (VCV000163127.25), dbSNP rs12666072, ClinGen allele CA175759.